The following is an entry in ClinVar:

NM_015450.3(POT1):c.97A>G (p.Lys33Glu)

Gene: POT1 (protection of telomeres 1; minus strand). Cytogenetic location: 7q31.33.
Variant type: single nucleotide variant.
Coding change: c.97A>G on transcript NM_015450.3 (MANE Select); coding-DNA position 97, A replaced by G.
Protein change: p.Lys33Glu; replaces lysine 33 with glutamic acid.
Molecular consequence: missense variant. On other transcripts: 5 prime UTR variant (1), non-coding transcript variant (3).
Genome position (GRCh38, 1-based): chr7:124,892,293, T>C on the plus strand (A>G on the coding strand, the complement: POT1 is on the minus strand). VCF-style: chr7-124892293-T-C. GRCh37 (hg19) VCF-style: chr7-124532347-T-C.
Other names: c.-166A>G (NM_001042594.2); c.97A>G (NM_015450.2); short protein forms K33E.
Identifiers: ClinVar variation 1044582 (VCV001044582.10), dbSNP rs749815652, ClinGen allele CA4465508.

ClinVar aggregate classification (germline): Uncertain significance. Review status: criteria provided, multiple submitters, no conflicts (2 of 4 stars). 2 submissions from 2 submitters: Uncertain significance (2). Last evaluated 2025-05-08.

Conditions:
Tumor predisposition syndrome 3 (TPDS3). Also called: Melanoma, cutaneous malignant, susceptibility to, 10; Glioma susceptibility 9; LONG TELOMERE SYNDROME, POT1-RELATED; POT1 Tumor Predisposition. Identifiers: Orphanet 618, MedGen C4014476, MONDO:0014368, OMIM 615848.

Allele frequency attached by ClinVar (database versions not stated): ExAC 0.00001; gnomAD exomes below 0.00001.
gnomAD v4.1: 1 of 1,546,854 alleles (0.000065%); highest among the groups gnomAD compares: South Asian, 0.0012%; no homozygotes.

Submissions (2):

Molecular Pathology, Peter Maccallum Cancer Centre
Classification: Uncertain significance for Tumor predisposition syndrome 3. Last evaluated: 2025-05-08. Review status: criteria provided, single submitter. Criteria: ACMG Guidelines, 2015. Collection method: clinical testing. Allele origin: germline. Inheritance: Autosomal dominant inheritance.

Labcorp Genetics (formerly Invitae), Labcorp
Classification: Uncertain significance for Tumor predisposition syndrome 3. Last evaluated: 2023-08-22. Review status: criteria provided, single submitter. Criteria: Invitae Variant Classification Sherloc (09022015). Collection method: clinical testing. Allele origin: germline.
Comment: This sequence change replaces lysine, which is basic and polar, with glutamic acid, which is acidic and polar, at codon 33 of the POT1 protein (p.Lys33Glu). The frequency data for this variant in the population databases is considered unreliable, as metrics indicate poor data quality at this position in the gnomAD database. This variant has not been reported in the literature in individuals affected with POT1-related conditions. ClinVar contains an entry for this variant (Variation ID: 1044582). Advanced modeling of protein sequence and biophysical properties (such as structural, functional, and spatial information, amino acid conservation, physicochemical variation, residue mobility, and thermodynamic stability) performed at Invitae indicates that this missense variant is not expected to disrupt POT1 protein function. In summary, the available evidence is currently insufficient to determine the role of this variant in disease. Therefore, it has been classified as a Variant of Uncertain Significance.